The following is an entry in ClinVar:

NM_004281.4(BAG3):c.751del (p.Gln251fs)

Gene: BAG3 (BAG cochaperone 3; plus strand). Cytogenetic location: 10q26.11.
Variant type: Deletion.
Coding change: c.751del on transcript NM_004281.4 (MANE Select); coding-DNA position 751, one base deleted (C; older notation c.751delC).
Protein change: p.Gln251fs; shifts the reading frame from glutamine 251.
Molecular consequence: frameshift variant.
Genome position (GRCh38, 1-based): chr10:119,672,498, C deleted; the last of 2 consecutive C bases (chr10:119,672,497-119,672,498); deleting either gives the same sequence. VCF-style (leftmost placement, unchanged base first): chr10-119672496-TC-T. GRCh37 (hg19) VCF-style: chr10-121432008-TC-T.
Other names: short protein forms Q251fs.
Identifiers: ClinVar variation 935177 (VCV000935177.9), dbSNP rs1847165958, ClinGen allele CA1139661706.

ClinVar aggregate classification (germline): Pathogenic (1 of 4 stars; one submission).

Conditions:
Myofibrillar myopathy 6. Identifiers: Orphanet 199340, MedGen C2751831, MONDO:0013061, OMIM 612954.
Dilated cardiomyopathy 1HH (CMD1HH). Identifiers: Orphanet 154, MedGen C3151293, MONDO:0013479, OMIM 613881.

Submission:

Labcorp Genetics (formerly Invitae), Labcorp
Classification: Pathogenic for Dilated cardiomyopathy 1HH; Myofibrillar myopathy 6. Last evaluated: 2025-09-20. Review status: criteria provided, single submitter. Criteria: Invitae Variant Classification Sherloc (09022015). Collection method: clinical testing. Allele origin: germline.
Comment: This sequence change creates a premature translational stop signal (p.Gln251Argfs*56) in the BAG3 gene. While this is not anticipated to result in nonsense mediated decay, it is expected to disrupt the last 325 amino acid(s) of the BAG3 protein. This variant is not present in population databases (gnomAD no frequency). This variant has not been reported in the literature in individuals affected with BAG3-related conditions. ClinVar contains an entry for this variant (Variation ID: 935177). This variant disrupts a region of the BAG3 protein in which other variant(s) (p.Arg309*) have been determined to be pathogenic (PMID: 25448463). This suggests that this is a clinically significant region of the protein, and that variants that disrupt it are likely to be disease-causing. For these reasons, this variant has been classified as Pathogenic.

Literature cited by the submitters: PubMed 25448463.